The following is an entry in ClinVar:

ClinVar aggregate classification (germline): Conflicting classifications of pathogenicity. Review status: criteria provided, conflicting classifications (1 of 4 stars). 7 submissions from 7 submitters: Uncertain significance (4); Likely benign (1). 2 of the submissions do not count toward it. Last evaluated 2026-04-14.

Conditions:
TTN-related disorder. Also called: TTN-related condition; TTN-related disease; TTN-related disorders.

Allele frequency attached by ClinVar (database versions not stated): ExAC 0.00002; gnomAD 0.00002 and 0.00003; gnomAD exomes 0.00004; TOPMed 0.00005.
gnomAD v4.1: 69 of 1,613,368 alleles (0.0043%); highest among the groups gnomAD compares: Middle Eastern, 0.016%; no homozygotes.

Submissions (7):

PreventionGenetics, part of Exact Sciences
Classification: Uncertain significance for TTN-related condition. Last evaluated: 2026-04-14. Review status: criteria provided, single submitter. Criteria: ACMG Guidelines, 2015. Collection method: clinical testing. Allele origin: germline.
Comment: The TTN c.58351C>T variant is predicted to result in the amino acid substitution p.Arg19451Cys. To our knowledge, this variant has not been reported in the literature. This variant is reported in 0.0065% of alleles in individuals of African descent in gnomAD. An alternative variant (c.50646C>T) that results in the same amino acid alteration in transcript NM_133378 (p.Arg16883Cys) has been reported in an individual from an exome sequencing cohort where limited clinical details were provided (Supplemental Table 3, Ng et al. 2013. PubMed ID: 23861362). At this time, the clinical significance of the c.58351C>T, p.Arg19451Cys variant is uncertain due to the absence of conclusive functional and genetic evidence.

Revvity Omics, Revvity
Classification: Uncertain significance. Last evaluated: 2025-05-15. Review status: criteria provided, single submitter. Criteria: ACMG Guidelines, 2015. Collection method: clinical testing. Allele origin: germline.

Molecular Diagnostic Laboratory for Inherited Cardiovascular Disease, Montreal Heart Institute
Classification: Likely benign. Last evaluated: 2025-04-09. Review status: criteria provided, single submitter. Criteria: ACMG Guidelines, 2015. Collection method: clinical testing. Allele origin: germline. Affected: no.

CeGaT Center for Human Genetics Tuebingen
Classification: Uncertain significance. Last evaluated: 2024-06-01. Review status: criteria provided, single submitter. Criteria: CeGaT Center For Human Genetics Tuebingen Variant Classification Criteria Version 2. Collection method: clinical testing. Allele origin: germline. Affected: yes. Observed: 1 variant allele.
Comment: TTN: PM2

Biesecker Lab/Clinical Genomics Section, National Institutes of Health
Classification: Uncertain significance. Last evaluated: 2013-06-24. Review status: criteria provided, single submitter. Criteria: Ng et al. (Circ Cardiovasc Genet. 2013). Collection method: research. Allele origin: unknown. Observed: 1 variant allele. Study: ClinSeq.
Comment: The study set was not selected for affection status in relation to any cancer. Pathogenicity categories were based on literature curation. See Pubmed ID:23861362 for details.

Medical sequencing

Clinical Genetics DNA and cytogenetics Diagnostics Lab, Erasmus MC, Erasmus Medical Center
Classification: Uncertain significance. Review status: no assertion criteria provided. Collection method: clinical testing. Allele origin: germline. Affected: yes. Study: VKGL Data-share Consensus. Not counted in ClinVar's aggregate classification.

Diagnostic Laboratory, Department of Genetics, University Medical Center Groningen
Classification: Uncertain significance. Review status: no assertion criteria provided. Collection method: clinical testing. Allele origin: germline. Affected: yes. Study: VKGL Data-share Consensus. Not counted in ClinVar's aggregate classification.

NM_001267550.2(TTN):c.58351C>T (p.Arg19451Cys)

Genes: TTN-AS1 (TTN antisense RNA 1; plus strand), TTN (titin; minus strand). Cytogenetic location: 2q31.2.
Variant type: single nucleotide variant.
Coding change: c.58351C>T on transcript NM_001267550.2 (MANE Select); coding-DNA position 58351, C replaced by T.
Protein change: p.Arg19451Cys; replaces arginine 19451 with cysteine.
Molecular consequence: missense variant.
Genome position (GRCh38, 1-based): chr2:178,594,042, G>A on the plus strand (C>T on the coding strand, the complement: TTN is on the minus strand). VCF-style: chr2-178594042-G-A. GRCh37 (hg19) VCF-style: chr2-179458769-G-A.
Other names: c.53428C>T, p.Arg17810Cys (NM_001256850.1); c.31156C>T, p.Arg10386Cys (NM_003319.4); c.50647C>T, p.Arg16883Cys (NM_133378.4); c.31531C>T, p.Arg10511Cys (NM_133432.3); c.31732C>T, p.Arg10578Cys (NM_133437.4); short protein forms R16883C, R19451C, R10578C, R17810C, R10386C, R10511C.
Identifiers: ClinVar variation 191933 (VCV000191933.26), dbSNP rs763871350, ClinGen allele CA237909.